The following is an entry in ClinVar:

NM_001131016.2(CIZ1):c.712A>G (p.Ile238Val)

Gene: CIZ1 (CDKN1A interacting zinc finger protein 1; minus strand). Cytogenetic location: 9q34.11.
Variant type: single nucleotide variant.
Coding change: c.712A>G on transcript NM_001131016.2 (MANE Select); coding-DNA position 712, A replaced by G.
Protein change: p.Ile238Val; replaces isoleucine 238 with valine.
Molecular consequence: missense variant.
Genome position (GRCh38, 1-based): chr9:128,180,494, T>C on the plus strand (A>G on the coding strand, the complement: CIZ1 is on the minus strand). VCF-style: chr9-128180494-T-C. GRCh37 (hg19) VCF-style: chr9-130942773-T-C.
Other names: c.712A>G, p.Ile238Val (NM_001131015.2, NM_012127.3); c.697A>G, p.Ile233Val (NM_001131017.2); c.640A>G, p.Ile214Val (NM_001131018.2); c.802A>G, p.Ile268Val (NM_001257975.2); c.409A>G, p.Ile137Val (NM_001257976.2); short protein forms I238V, I233V, I137V, I214V, I268V.
Identifiers: ClinVar variation 526217 (VCV000526217.11), dbSNP rs1391138416, ClinGen allele CA375030631.
Genomic context (GRCh38, chr9:128,180,494, plus strand): 5'-GCAGCTCGGACGCCTCACAAGGCTCAGGCTCAGGTGCTGGAGTGCGTTTTTCCTTGGCGA[T>C]GTCCTCTGGGCAGGGCGGTAAATCTTGGTCTGGAATGGAGGCATGAGCGAGGGAACTCAT-3'
Protein context (NP_001124488.1, residues 228-248): DQDLPPCPED[Ile238Val]AKEKRTPAPE

ClinVar aggregate classification (germline): Uncertain significance. Review status: criteria provided, multiple submitters, no conflicts (2 of 4 stars). 2 submissions from 2 submitters: Uncertain significance (2). Last evaluated 2025-05-25.

Conditions:
Dystonic disorder. Also called: Dystonia. Identifiers: MedGen C0013421, MONDO:0003441, HP:0001332.

Allele frequency attached by ClinVar (database versions not stated): gnomAD 0.00001; TOPMed 0.00002.
gnomAD v4.1: 22 of 1,614,026 alleles (0.0014%); highest among the groups gnomAD compares: Non-Finnish European, 0.0016%; no homozygotes.

Submissions (2):

Ambry Genetics
Classification: Uncertain significance. Last evaluated: 2025-05-25. Review status: criteria provided, single submitter. Criteria: Ambry Variant Classification Scheme 2023. Collection method: clinical testing. Allele origin: germline.

Labcorp Genetics (formerly Invitae), Labcorp
Classification: Uncertain significance for Dystonic disorder. Last evaluated: 2022-08-20. Review status: criteria provided, single submitter. Criteria: Invitae Variant Classification Sherloc (09022015). Collection method: clinical testing. Allele origin: germline.
Comment: Algorithms developed to predict the effect of missense changes on protein structure and function output the following: SIFT: "Tolerated"; PolyPhen-2: "Benign"; Align-GVGD: "Class C0". The valine amino acid residue is found in multiple mammalian species, which suggests that this missense change does not adversely affect protein function. In summary, the available evidence is currently insufficient to determine the role of this variant in disease. Therefore, it has been classified as a Variant of Uncertain Significance. ClinVar contains an entry for this variant (Variation ID: 526217). This variant has not been reported in the literature in individuals affected with CIZ1-related conditions. This variant is not present in population databases (gnomAD no frequency). This sequence change replaces isoleucine, which is neutral and non-polar, with valine, which is neutral and non-polar, at codon 238 of the CIZ1 protein (p.Ile238Val).